The following is an entry in ClinVar:

NM_005422.4(TECTA):c.3995G>A (p.Cys1332Tyr)

Genes: TBCEL-TECTA (TBCEL-TECTA readthrough; plus strand), TECTA (tectorin alpha; plus strand). Cytogenetic location: 11q23.3.
Variant type: single nucleotide variant.
Coding change: c.3995G>A on transcript NM_005422.4 (MANE Select); coding-DNA position 3995, G replaced by A.
Protein change: p.Cys1332Tyr; replaces cysteine 1332 with tyrosine.
Molecular consequence: missense variant.
Genome position (GRCh38, 1-based): chr11:121,146,006, G>A. VCF-style: chr11-121146006-G-A. GRCh37 (hg19) VCF-style: chr11-121016715-G-A.
Other names: c.4952G>A, p.Cys1651Tyr (NM_001378761.1); short protein forms C1332Y, C1651Y.
Identifiers: ClinVar variation 2972693 (VCV002972693.3), dbSNP rs2496953015, ClinGen allele CA383022961.

ClinVar aggregate classification (germline): Likely pathogenic (1 of 4 stars; one submission).

Submission:

Labcorp Genetics (formerly Invitae), Labcorp
Classification: Likely pathogenic. Last evaluated: 2023-08-28. Review status: criteria provided, single submitter. Criteria: Invitae Variant Classification Sherloc (09022015). Collection method: clinical testing. Allele origin: germline.
Comment: This variant disrupts the p.Cys1332 amino acid residue in TECTA. Other variant(s) that disrupt this residue have been observed in individuals with TECTA-related conditions (PMID: 25413827), which suggests that this may be a clinically significant amino acid residue. This sequence change replaces cysteine, which is neutral and slightly polar, with tyrosine, which is neutral and polar, at codon 1332 of the TECTA protein (p.Cys1332Tyr). This variant is not present in population databases (gnomAD no frequency). This missense change has been observed in individuals with autosomal dominant deafness (PMID: 31554319; Invitae). It has also been observed to segregate with disease in related individuals. Advanced modeling of protein sequence and biophysical properties (such as structural, functional, and spatial information, amino acid conservation, physicochemical variation, residue mobility, and thermodynamic stability) performed at Invitae indicates that this missense variant is expected to disrupt TECTA protein function. In summary, the currently available evidence indicates that the variant is pathogenic, but additional data are needed to prove that conclusively. Therefore, this variant has been classified as Likely Pathogenic.

Literature cited by the submitters: PubMed 25413827; PubMed 31554319.